The following is an entry in ClinVar:

ClinVar aggregate classification (germline): Uncertain significance (1 of 4 stars; one submission).

Allele frequency attached by ClinVar (database versions not stated): gnomAD exomes below 0.00001.

Submission:

Ambry Genetics
Classification: Uncertain significance. Last evaluated: 2021-10-09. Review status: criteria provided, single submitter. Criteria: Ambry Variant Classification Scheme 2023. Collection method: clinical testing. Allele origin: germline.
Comment: The p.I585V variant (also known as c.1753A>G), located in coding exon 16 of the PRKDC gene, results from an A to G substitution at nucleotide position 1753. The isoleucine at codon 585 is replaced by valine, an amino acid with highly similar properties. This amino acid position is conserved. In addition, this alteration is predicted to be tolerated by in silico analysis. Since supporting evidence is limited at this time, the clinical significance of this alteration remains unclear.

NM_006904.7(PRKDC):c.1753A>G (p.Ile585Val)

Gene: PRKDC (protein kinase, DNA-activated, catalytic subunit; minus strand). Cytogenetic location: 8q11.21.
Variant type: single nucleotide variant.
Coding change: c.1753A>G on transcript NM_006904.7 (MANE Select); coding-DNA position 1753, A replaced by G.
Protein change: p.Ile585Val; replaces isoleucine 585 with valine.
Molecular consequence: missense variant.
Genome position (GRCh38, 1-based): chr8:47,933,043, T>C on the plus strand (A>G on the coding strand, the complement: PRKDC is on the minus strand). VCF-style: chr8-47933043-T-C. GRCh37 (hg19) VCF-style: chr8-48845603-T-C.
Other names: c.1753A>G, p.Ile585Val (NM_001081640.2); short protein forms I585V.
Identifiers: ClinVar variation 1779426 (VCV001779426.2), dbSNP rs2551879016, ClinGen allele CA371164938.